The following is an entry in ClinVar:

NM_000069.3(CACNA1S):c.1731C>T (p.Gly577=)

Gene: CACNA1S (calcium voltage-gated channel subunit alpha1 S; minus strand). Cytogenetic location: 1q32.1.
Variant type: single nucleotide variant.
Coding change: c.1731C>T on transcript NM_000069.3 (MANE Select); coding-DNA position 1731, C replaced by T.
Protein change: p.Gly577=; no amino-acid change (glycine 577 retained).
Molecular consequence: synonymous variant.
Genome position (GRCh38, 1-based): chr1:201,077,016, G>A on the plus strand (C>T on the coding strand, the complement: CACNA1S is on the minus strand). VCF-style: chr1-201077016-G-A. GRCh37 (hg19) VCF-style: chr1-201046144-G-A.
Identifiers: ClinVar variation 3386375 (VCV003386375.3).

ClinVar aggregate classification (germline): Conflicting classifications of pathogenicity. Review status: criteria provided, conflicting classifications (1 of 4 stars). 3 submissions from 3 submitters: Uncertain significance (2); Likely benign (1). Last evaluated 2025-10-22.

Conditions:
Malignant hyperthermia, susceptibility to, 5 (MHS5). Also called: CACNA1S-Related Malignant Hyperthermia Susceptibility. Identifiers: Orphanet 423, MedGen C1866077, MONDO:0011163, OMIM 601887.
Hypokalemic periodic paralysis, type 1. Also called: Hypokalemic Periodic Paralysis Type 1 (AD); HypoPP. Identifiers: Orphanet 681, MedGen C3714580, MONDO:0042979, OMIM 170400.

gnomAD v4.1: 21 of 1,614,138 alleles (0.0013%); highest among the groups gnomAD compares: Non-Finnish European, 0.0016%; no homozygotes.

Submissions (3):

Labcorp Genetics (formerly Invitae), Labcorp
Classification: Likely benign for Hypokalemic periodic paralysis, type 1; Malignant hyperthermia, susceptibility to, 5. Last evaluated: 2025-10-22. Review status: criteria provided, single submitter. Criteria: Invitae Variant Classification Sherloc (09022015). Collection method: clinical testing. Allele origin: germline.

All of Us Research Program, National Institutes of Health
Classification: Uncertain significance for Malignant hyperthermia, susceptibility to, 5. Last evaluated: 2024-05-30. Review status: criteria provided, single submitter. Criteria: ACMG Guidelines, 2015. Collection method: clinical testing. Allele origin: germline. Inheritance: Autosomal dominant inheritance. Observed: 1 variant allele, 1 heterozygote.
Comment: This variant is located in the CACNA1S protein. To our knowledge, functional studies have not been reported for this variant. This variant has not been reported in individuals affected with CACNA1S-related disorders in the literature. This variant has not been identified in the general population by the Genome Aggregation Database (gnomAD). The available evidence is insufficient to determine the role of this variant in disease conclusively. Therefore, this variant is classified as a Variant of Uncertain Significance.

This study involves interpretation of variants in research participants for the purpose of population health screening. Participant phenotype was not available at the time of variant classification. Additional details can be found in publication PMID: 35346344, PMCID: PMC8962531

Color Diagnostics, LLC DBA Color Health
Classification: Uncertain significance for Malignant hyperthermia, susceptibility to, 5. Last evaluated: 2024-05-07. Review status: criteria provided, single submitter. Criteria: ACMG Guidelines, 2015. Collection method: clinical testing. Allele origin: germline.
Comment: This variant is located in the CACNA1S protein. To our knowledge, functional studies have not been reported for this variant. This variant has not been reported in individuals affected with CACNA1S-related disorders in the literature. This variant has not been identified in the general population by the Genome Aggregation Database (gnomAD). The available evidence is insufficient to determine the role of this variant in disease conclusively. Therefore, this variant is classified as a Variant of Uncertain Significance.